The following is an entry in ClinVar:

NM_021098.3(CACNA1H):c.4406C>G (p.Thr1469Ser)

Gene: CACNA1H (calcium voltage-gated channel subunit alpha1 H; plus strand). Cytogenetic location: 16p13.3.
Variant type: single nucleotide variant.
Coding change: c.4406C>G on transcript NM_021098.3 (MANE Select); coding-DNA position 4406, C replaced by G.
Protein change: p.Thr1469Ser; replaces threonine 1469 with serine.
Molecular consequence: missense variant.
Genome position (GRCh38, 1-based): chr16:1,211,536, C>G. VCF-style: chr16-1211536-C-G. GRCh37 (hg19) VCF-style: chr16-1261536-C-G.
Other names: c.4406C>G, p.Thr1469Ser (NM_001005407.2); short protein forms T1469S.
Identifiers: ClinVar variation 2054330 (VCV002054330.4), dbSNP rs1596459234, ClinGen allele CA394179036.

ClinVar aggregate classification (germline): Uncertain significance (1 of 4 stars; one submission).

Conditions:
Hyperaldosteronism, familial, type IV (HALD4). Also called: FH IV; ALDOSTERONISM, PRIMARY, AND HYPERTENSION. Identifiers: Orphanet 642671, MedGen C4310756, MONDO:0014875, OMIM 617027.
Idiopathic generalized epilepsy. Also called: Generalised epilepsy; EIG. Identifiers: MedGen C0270850, MONDO:0005579, OMIM 600669.

Submission:

Labcorp Genetics (formerly Invitae), Labcorp
Classification: Uncertain significance for Idiopathic generalized epilepsy; Hyperaldosteronism, familial, type IV. Last evaluated: 2022-07-06. Review status: criteria provided, single submitter. Criteria: Invitae Variant Classification Sherloc (09022015). Collection method: clinical testing. Allele origin: germline.
Comment: This sequence change replaces threonine, which is neutral and polar, with serine, which is neutral and polar, at codon 1469 of the CACNA1H protein (p.Thr1469Ser). In summary, the available evidence is currently insufficient to determine the role of this variant in disease. Therefore, it has been classified as a Variant of Uncertain Significance. Advanced modeling of protein sequence and biophysical properties (such as structural, functional, and spatial information, amino acid conservation, physicochemical variation, residue mobility, and thermodynamic stability) performed at Invitae indicates that this missense variant is not expected to disrupt CACNA1H protein function. This variant has not been reported in the literature in individuals affected with CACNA1H-related conditions. This variant is not present in population databases (gnomAD no frequency).